The following is an entry in ClinVar:

NM_000288.4(PEX7):c.748-16_748-6del

Gene: PEX7 (peroxisomal biogenesis factor 7; plus strand). Cytogenetic location: 6q23.3.
Variant type: Deletion.
Coding change: c.748-16_748-6del on transcript NM_000288.4 (MANE Select); 16 bases into the intron before coding-DNA position 748 through 6 bases into the intron before coding-DNA position 748, 11 bases deleted (CTTTTTTTTTT).
Molecular consequence: intron variant.
Genome position (GRCh38, 1-based): chr6:136,872,182-136,872,192, CTTTTTTTTTT deleted; deleting any 11 consecutive bases within chr6:136,872,172-136,872,192 gives the same sequence; the c. name uses the placement nearest the transcript's 3' end. VCF-style (leftmost placement, unchanged base first): chr6-136872171-GTTTTTTTTTTC-G. GRCh37 (hg19) VCF-style: chr6-137193309-GTTTTTTTTTTC-G.
Other names: c.634-16_634-6del (NM_001410945.1).
Identifiers: ClinVar variation 4984191 (VCV004984191.1).

ClinVar aggregate classification (germline): Likely benign (1 of 4 stars; one submission).

Conditions:
PEX7-related disorder. Also called: PEX7-related condition; PEX7-related disorders. Identifiers: MedGen CN239409.

Submission:

PreventionGenetics, part of Exact Sciences
Classification: Likely benign for PEX7-related condition. Last evaluated: 2025-02-05. Review status: criteria provided, single submitter. Criteria: ACMG Guidelines, 2015. Collection method: clinical testing. Allele origin: germline.
Comment: This variant is classified as likely benign based on ACMG/AMP sequence variant interpretation guidelines (Richards et al. 2015 PMID: 25741868, with internal and published modifications).